The following is an entry in ClinVar:

ClinVar aggregate classification (germline): Uncertain significance. Review status: criteria provided, multiple submitters, no conflicts (2 of 4 stars). 3 submissions from 3 submitters: Uncertain significance (3). Last evaluated 2025-04-11.

Conditions:
Endometrial carcinoma. Also called: Endometrial carcinoma, somatic. Identifiers: MedGen C0476089, MONDO:0002447, OMIM 608089, HP:0012114.
Colorectal cancer, hereditary nonpolyposis, type 7. Identifiers: Orphanet 144, MedGen C1858380, MONDO:0013725, OMIM 614385.

Allele frequency attached by ClinVar (database versions not stated): ExAC 0.00001; gnomAD exomes 0.00001.
gnomAD v4.1: 21 of 1,614,188 alleles (0.0013%); highest among the groups gnomAD compares: Non-Finnish European, 0.0018%; no homozygotes.

Submissions (3):

Labcorp Genetics (formerly Invitae), Labcorp
Classification: Uncertain significance for Colorectal cancer, hereditary nonpolyposis, type 7. Last evaluated: 2025-04-11. Review status: criteria provided, single submitter. Criteria: Invitae Variant Classification Sherloc (09022015). Collection method: clinical testing. Allele origin: germline.
Comment: This sequence change replaces lysine, which is basic and polar, with isoleucine, which is neutral and non-polar, at codon 907 of the MLH3 protein (p.Lys907Ile). This variant is present in population databases (rs766847331, gnomAD 0.002%). This variant has not been reported in the literature in individuals affected with MLH3-related conditions. ClinVar contains an entry for this variant (Variation ID: 410890). An algorithm developed to predict the effect of missense changes on protein structure and function (PolyPhen-2) suggests that this variant is likely to be disruptive. In summary, the available evidence is currently insufficient to determine the role of this variant in disease. Therefore, it has been classified as a Variant of Uncertain Significance.

Ambry Genetics
Classification: Uncertain significance. Last evaluated: 2024-07-11. Review status: criteria provided, single submitter. Criteria: Ambry Variant Classification Scheme 2023. Collection method: clinical testing. Allele origin: germline.
Comment: The p.K907I variant (also known as c.2720A>T), located in coding exon 1 of the MLH3 gene, results from an A to T substitution at nucleotide position 2720. The lysine at codon 907 is replaced by isoleucine, an amino acid with dissimilar properties. This amino acid position is not well conserved in available vertebrate species. In addition, the in silico prediction for this alteration is inconclusive. The evidence for this gene-disease relationship is limited; therefore, the clinical significance of this alteration is unclear.

Department of Pathology and Laboratory Medicine, Sinai Health System
Classification: Uncertain significance for Endometrial carcinoma. Last evaluated: 2022-03-21. Review status: criteria provided, single submitter. Criteria: ACMG Guidelines, 2015. Collection method: clinical testing. Allele origin: germline. Affected: yes.

NM_001040108.2(MLH3):c.2720A>T (p.Lys907Ile)

Gene: MLH3 (mutL homolog 3; minus strand). Cytogenetic location: 14q24.3.
Variant type: single nucleotide variant.
Coding change: c.2720A>T on transcript NM_001040108.2 (MANE Select); coding-DNA position 2720, A replaced by T.
Protein change: p.Lys907Ile; replaces lysine 907 with isoleucine.
Molecular consequence: missense variant.
Genome position (GRCh38, 1-based): chr14:75,046,936, T>A on the plus strand (A>T on the coding strand, the complement: MLH3 is on the minus strand). VCF-style: chr14-75046936-T-A. GRCh37 (hg19) VCF-style: chr14-75513639-T-A.
Other names: c.2720A>T, p.Lys907Ile (NM_014381.3); short protein forms K907I.
Identifiers: ClinVar variation 410890 (VCV000410890.11), dbSNP rs766847331, ClinGen allele CA7275650.